The following is an entry in ClinVar:

ClinVar aggregate classification (germline): Uncertain significance (1 of 4 stars; one submission).

Conditions:
Brugada syndrome 7 (BRGDA7). Identifiers: Orphanet 130, MedGen C2751088, MONDO:0013146, OMIM 613120.

Submission:

Labcorp Genetics (formerly Invitae), Labcorp
Classification: Uncertain significance for Brugada syndrome 7. Last evaluated: 2022-04-09. Review status: criteria provided, single submitter. Criteria: Invitae Variant Classification Sherloc (09022015). Collection method: clinical testing. Allele origin: germline.
Comment: In summary, the available evidence is currently insufficient to determine the role of this variant in disease. Therefore, it has been classified as a Variant of Uncertain Significance. Algorithms developed to predict the effect of missense changes on protein structure and function are either unavailable or do not agree on the potential impact of this missense change (SIFT: "Deleterious"; PolyPhen-2: "Possibly Damaging"; Align-GVGD: "Class C15"). This variant has not been reported in the literature in individuals affected with SCN3B-related conditions. This variant is not present in population databases (gnomAD no frequency). This sequence change replaces leucine, which is neutral and non-polar, with phenylalanine, which is neutral and non-polar, at codon 108 of the SCN3B protein (p.Leu108Phe).

NM_001040151.2(SCN3B):c.322C>T (p.Leu108Phe)

Gene: SCN3B (sodium voltage-gated channel beta subunit 3; minus strand). Cytogenetic location: 11q24.1.
Variant type: single nucleotide variant.
Coding change: c.322C>T on transcript NM_001040151.2 (MANE Select); coding-DNA position 322, C replaced by T.
Protein change: p.Leu108Phe; replaces leucine 108 with phenylalanine.
Molecular consequence: missense variant.
Genome position (GRCh38, 1-based): chr11:123,642,569, G>A on the plus strand (C>T on the coding strand, the complement: SCN3B is on the minus strand). VCF-style: chr11-123642569-G-A. GRCh37 (hg19) VCF-style: chr11-123513277-G-A.
Other names: c.322C>T, p.Leu108Phe (NM_018400.4); short protein forms L108F.
Identifiers: ClinVar variation 2123802 (VCV002123802.4), dbSNP rs2497572724, ClinGen allele CA383071710.